The following is an entry in ClinVar:

ClinVar aggregate classification (germline): Uncertain significance (1 of 4 stars; one submission).

Conditions:
Hereditary cancer-predisposing syndrome. Also called: Neoplastic Syndromes, Hereditary; Tumor predisposition; Hereditary Cancer Syndrome; Hereditary neoplastic syndrome. Identifiers: Orphanet 140162, MedGen C0027672, MeSH D009386, MONDO:0015356.

Submission:

Ambry Genetics
Classification: Uncertain significance for Hereditary cancer-predisposing syndrome. Last evaluated: 2026-03-13. Review status: criteria provided, single submitter. Criteria: Ambry Variant Classification Scheme 2023. Collection method: clinical testing. Allele origin: germline.
Comment: The p.G111R variant (also known as c.331G>C), located in coding exon 3 of the FH gene, results from a G to C substitution at nucleotide position 331. The glycine at codon 111 is replaced by arginine, an amino acid with dissimilar properties. This amino acid position is conserved. In addition, this alteration is predicted to be deleterious by in silico analysis. Based on the available evidence, the clinical significance of this variant remains unclear.

NM_000143.4(FH):c.331G>C (p.Gly111Arg)

Gene: FH (fumarate hydratase; minus strand). Cytogenetic location: 1q43.
Variant type: single nucleotide variant.
Coding change: c.331G>C on transcript NM_000143.4 (MANE Select); coding-DNA position 331, G replaced by C.
Protein change: p.Gly111Arg; replaces glycine 111 with arginine.
Molecular consequence: missense variant.
Genome position (GRCh38, 1-based): chr1:241,513,650, C>G on the plus strand (G>C on the coding strand, the complement: FH is on the minus strand). VCF-style: chr1-241513650-C-G. GRCh37 (hg19) VCF-style: chr1-241676950-C-G.
Other names: short protein forms G111R.
Identifiers: ClinVar variation 4838344 (VCV004838344.1).